The following is an entry in ClinVar:

ClinVar aggregate classification (germline): Uncertain significance. Review status: criteria provided, multiple submitters, no conflicts (2 of 4 stars). 2 submissions from 2 submitters: Uncertain significance (2). Last evaluated 2025-02-26.

Conditions:
Neurofibromatosis, type 1 (NF1). Also called: Peripheral type neurofibromatosis; Neurofibromatosis, type I; VON RECKLINGHAUSEN DISEASE; NEUROFIBROMATOSIS, TYPE I, SOMATIC. Identifiers: Orphanet 636, MedGen C0027831, MONDO:0018975, OMIM 162200. Disease mechanism: loss of function.

Submissions (2):

Labcorp Genetics (formerly Invitae), Labcorp
Classification: Uncertain significance for Neurofibromatosis, type 1. Last evaluated: 2025-02-26. Review status: criteria provided, single submitter. Criteria: Invitae Variant Classification Sherloc (09022015). Collection method: clinical testing. Allele origin: germline.
Comment: This sequence change falls in intron 50 of the NF1 gene. It does not directly change the encoded amino acid sequence of the NF1 protein. It affects a nucleotide within the consensus splice site. This variant is not present in population databases (gnomAD no frequency). This variant has not been reported in the literature in individuals affected with NF1-related conditions. ClinVar contains an entry for this variant (Variation ID: 2497788). Variants that disrupt the consensus splice site are a relatively common cause of aberrant splicing (PMID: 17576681, 9536098). Algorithms developed to predict the effect of sequence changes on RNA splicing suggest that this variant may disrupt the consensus splice site. In summary, the available evidence is currently insufficient to determine the role of this variant in disease. Therefore, it has been classified as a Variant of Uncertain Significance.

GeneDx
Classification: Uncertain significance. Last evaluated: 2022-10-04. Review status: criteria provided, single submitter. Criteria: GeneDx Variant Classification Process June 2021. Collection method: clinical testing. Allele origin: germline. Affected: yes.
Comment: Not observed at significant frequency in large population cohorts (gnomAD); In silico analysis supports that this variant does not alter splicing; Has not been previously published as pathogenic or benign to our knowledge

Literature cited by the submitters: PubMed 17576681 (cited by Labcorp Genetics (formerly Invitae), Labcorp); PubMed 9536098 (cited by Labcorp Genetics (formerly Invitae), Labcorp).

NM_001042492.3(NF1):c.7615+6T>C

Gene: NF1 (neurofibromin 1; plus strand). Cytogenetic location: 17q11.2.
Variant type: single nucleotide variant.
Coding change: c.7615+6T>C on transcript NM_001042492.3 (MANE Select); 6 bases into the intron after coding-DNA position 7615, T replaced by C.
Molecular consequence: intron variant.
Genome position (GRCh38, 1-based): chr17:31,352,420, T>C. VCF-style: chr17-31352420-T-C. GRCh37 (hg19) VCF-style: chr17-29679438-T-C.
Other names: c.7552+6T>C (NM_000267.4).
Identifiers: ClinVar variation 2497788 (VCV002497788.4), dbSNP rs2151577473, ClinGen allele CA2580093429.